The following is an entry in ClinVar:

ClinVar aggregate classification (germline): Uncertain significance (1 of 4 stars; one submission).

Submission:

Women's Health and Genetics/Laboratory Corporation of America, LabCorp
Classification: Uncertain significance. Last evaluated: 2023-02-15. Review status: criteria provided, single submitter. Criteria: LabCorp Variant Classification Summary - May 2015. Collection method: clinical testing. Allele origin: germline.
Comment: Variant summary: HFE c.282_283delinsTC (p.Trp94_Asp95delinsCysHis) results in an in-frame deletion-insertion that is predicted to cause changes in 2 amino acids. The variant was absent in 251464 control chromosomes. The available data on variant occurrences in the general population are insufficient to allow any conclusion about variant significance. To our knowledge, no occurrence of c.282_283delinsTC in individuals affected with Hemochromatosis Type 1 and no experimental evidence demonstrating its impact on protein function have been reported. No clinical diagnostic laboratories have submitted clinical-significance assessments for this variant to ClinVar after 2014. Based on the evidence outlined above, the variant was classified as uncertain significance.

NM_000410.4(HFE):c.282_283delinsTC (p.Trp94_Asp95delinsCysHis)

Gene: HFE (homeostatic iron regulator; plus strand). Cytogenetic location: 6p22.2.
Variant type: Indel.
Coding change: c.282_283delinsTC on transcript NM_000410.4 (MANE Select); coding-DNA positions 282 to 283, GG replaced by TC.
Protein change: p.Trp94_Asp95delinsCysHis.
Molecular consequence: missense variant. On other transcripts: intron variant (4).
Genome position (GRCh38, 1-based): chr6:26,091,046-26,091,047, GG replaced by TC. VCF-style: chr6-26091046-GG-TC. GRCh37 (hg19) VCF-style: chr6-26091274-GG-TC.
Other names: c.282_283delGGinsTC, p.Trp94_Asp95delinsCysHis (NM_000410.3, NM_001300749.3, NM_001406751.1); c.282_283delinsTC, p.Trp94_Asp95delinsCysHis (NM_001384164.1, NM_139003.3, NM_139004.3 and 1 more transcripts); c.213_214delinsTC, p.Trp71_Asp72delinsCysHis (NM_139009.3); c.77-268_77-267delinsTC (NM_139007.3, NM_139008.3); c.77-1639_77-1638delinsTC (NM_139010.3); c.77-2073_77-2072delinsTC (NM_139011.3); c.282_283delinsTC (NM_000410.3).
Identifiers: ClinVar variation 2445854 (VCV002445854.1), dbSNP rs2481603649, ClinGen allele CA2580074259.